The following is an entry in ClinVar:

ClinVar aggregate classification (germline): Conflicting classifications of pathogenicity. Review status: criteria provided, conflicting classifications (1 of 4 stars). 7 submissions from 7 submitters: Uncertain significance (5); Likely benign (2). Last evaluated 2025-08-07.

Conditions:
Hereditary cancer-predisposing syndrome. Also called: Hereditary Cancer Syndrome; Hereditary neoplastic syndrome; Neoplastic Syndromes, Hereditary; Tumor predisposition. Identifiers: Orphanet 140162, MedGen C0027672, MeSH D009386, MONDO:0015356.
Breast-ovarian cancer, familial, susceptibility to, 1 (BROVCA1). Also called: BRCA1 Hereditary Breast and Ovarian Cancer; OVARIAN CANCER, SUSCEPTIBILITY TO. Identifiers: Orphanet 145, MedGen C2676676, MONDO:0011450, OMIM 604370. Disease mechanism: loss of function.
Hereditary breast ovarian cancer syndrome. Also called: BRCA1- and BRCA2-Associated Hereditary Breast and Ovarian Cancer; Hereditary breast and ovarian cancer syndrome; Hereditary breast and ovarian cancer syndrome (HBOC); Breast and ovarian cancer; Hereditary breast and/or ovarian cancer syndrome; Hereditary breast and ovarian cancer. Identifiers: Orphanet 145, MedGen C0677776, MeSH D061325, MONDO:0003582. Disease mechanism: loss of function.

Allele frequency attached by ClinVar (database versions not stated): gnomAD exomes below 0.00001 and 0.00002.
gnomAD v4.1: 4 of 1,611,650 alleles (0.00025%); highest among the groups gnomAD compares: Admixed American, 0.005%; no homozygotes.

Submissions (8):

Labcorp Genetics (formerly Invitae), Labcorp
Classification: Uncertain significance for Hereditary breast ovarian cancer syndrome. Last evaluated: 2025-08-07. Review status: criteria provided, single submitter. Criteria: Invitae Variant Classification Sherloc (09022015). Collection method: clinical testing. Allele origin: germline.
Comment: This sequence change replaces tyrosine, which is neutral and polar, with cysteine, which is neutral and slightly polar, at codon 1666 of the BRCA1 protein (p.Tyr1666Cys). This variant is present in population databases (rs397509216, gnomAD 0.009%). This missense change has been observed in individual(s) with breast cancer and family history of hereditary breast or ovarian cancer (PMID: 18835712, 28324225). This variant is also known as c.5116A>G. ClinVar contains an entry for this variant (Variation ID: 55352). Invitae Evidence Modeling incorporating data from in vitro experimental studies (PMID: 30209399) indicates that this missense variant is not expected to disrupt BRCA1 function with a negative predictive value of 95%. Experimental studies have shown that this missense change does not substantially affect BRCA1 function (PMID: 34793697). In summary, the available evidence is currently insufficient to determine the role of this variant in disease. Therefore, it has been classified as a Variant of Uncertain Significance.

Color Diagnostics, LLC DBA Color Health
Classification: Uncertain significance for Hereditary cancer-predisposing syndrome. Last evaluated: 2025-06-04. Review status: criteria provided, single submitter. Criteria: ACMG Guidelines, 2015. Collection method: clinical testing. Allele origin: germline.
Comment: This missense variant replaces tyrosine with cysteine at codon 1666 of the BRCA1 protein. Computational prediction is inconclusive regarding the impact of this variant on protein structure and function. This variant has been reported to have a neutral effect on BRCA1 function in a haploid cell proliferation assay (PMID: 30209399). This variant has been reported in individuals affected with breast and/or ovarian cancer (PMID: 18835712, 28324225). A multifactorial analysis has reported a likelihood ratio for pathogenicity based on personal and family history of 1.502 from log(LR)=0.176551491 for two carriers (PMID: 31853058). This variant has been identified in 4/251340 chromosomes in the general population by the Genome Aggregation Database (gnomAD). The available evidence is insufficient to determine the role of this variant in disease conclusively. Therefore, this variant is classified as a Variant of Uncertain Significance.

Lupski Lab, Baylor-Hopkins CMG, Baylor College of Medicine
Classification: Likely benign for Breast-ovarian cancer, familial, susceptibility to, 1. Last evaluated: 2024-04-12. Review status: criteria provided, single submitter. Criteria: Dawood et al. (medRxiv. 2024). Collection method: curation. Allele origin: germline.
Comment: Each variant was annotated with functional scores from MAVE data which was translated into functional evidence codes. All other evidence codes and combining criteria were adhered to as closely as possible based on the ClinGen VCEP (Variant Curation Expert Panel) gene-specific recommendations. See Supplemental Figure 34 of final paper (Supp Fig. 28 in preprint: doi:10.1101/2024.04.11.24305690) for a table to see which lines of evidence we did not have data for. The ClinGen VCEPs are highly regarded as the gold-standard for gene-specific variant curation and are developed after extensive evaluation of the evidence by clinical and scientific experts for the particular gene to classify genomic variants on a spectrum from pathogenic to benign using the 2015 ACMG/AMP Variant Interpretation Guidelines as a backbone (PMID: 25741868). Reclassification of these VUS variants from gnomAD or All of Us focused only on variants originally prescribed as VUS in ClinVar. To ensure reproducibility, transparency, and increased throughput, all the procedures for annotating variants and assigning evidence codes were codified using Python. All code has been made freely available and is linked in the Code Availability section and all reclassified variants with evidence codes used can be found in Tables S18-19 (preprint: doi:10.1101/2024.04.11.24305690). For the MAVE data, the clinical curation and clinical strength assignment as per the ClinGen recommendations in Brnich et al. (2020) (PMID: 31892348) for or against pathogenicity or benignity of each of these MAVE datasets utilized in this study were previously published in Fayer et al. (2021) (PMID: 34793697).In brief, for BRCA1 variants, if a variant was categorized as FUNC (functional), it was assigned BS3 evidence and no PS3 evidence, whereas if it was categorized as LOF (loss of function), the variant was assigned PS3 evidence and no BS3 evidence. Variants categorized as INT (intermediate) were left unannotated. For the BRCA1 combining criteria, greater than or equal to 1 criteria of strong benign evidence was enough to reclassify the VUS as Likely Benign. This variant GRCh38:17:43067685:T>C was assigned evidence codes ['BS3'] and an overall classification of Likely benign

Quest Diagnostics Nichols Institute San Juan Capistrano
Classification: Uncertain significance. Last evaluated: 2024-03-15. Review status: criteria provided, single submitter. Criteria: Quest Diagnostics criteria. Collection method: clinical testing. Allele origin: unknown.
Comment: The BRCA1 c.4997A>G (p.Tyr1666Cys) variant has been reported in the published literature in individuals with breast and/or ovarian cancer (PMID: 18835712 (2018) and 28324225 (2017)). One study showed this variant apparently retained functional activity in a large-scale study using a haploid cell line (PMID: 30209399 (2018)). The frequency of this variant in the general population, 0.00012 (4/34592 chromosomes (Genome Aggregation Database)), is uninformative in the assessment of its pathogenicity. Analysis of this variant using bioinformatics tools for the prediction of the effect of amino acid changes on protein structure and function yielded predictions that this variant is damaging. Based on the available information, we are unable to determine the clinical significance of this variant.

Baylor Genetics
Classification: Uncertain significance for Breast-ovarian cancer, familial, susceptibility to, 1. Last evaluated: 2024-01-03. Review status: criteria provided, single submitter. Criteria: ACMG Guidelines, 2015. Collection method: clinical testing. Allele origin: unknown.

Ambry Genetics
Classification: Likely benign for Hereditary cancer-predisposing syndrome. Last evaluated: 2022-04-07. Review status: criteria provided, single submitter. Criteria: Ambry Variant Classification Scheme 2023. Collection method: clinical testing. Allele origin: germline.

GeneDx
Classification: Uncertain significance. Last evaluated: 2016-02-17. Review status: criteria provided, single submitter. Criteria: GeneDx Variant Classification (06012015). Collection method: clinical testing. Allele origin: germline. Affected: yes.
Comment: This variant is denoted BRCA1 c.4997A>G at the cDNA level, p.Tyr1666Cys (Y1666C) at the protein level, and results in the change of a Tyrosine to a Cysteine (TAC>TGC). This variant, previously published as BRCA1 5116A>G using alternate nomenclature, has been reported in at least one individual with early-onset breast cancer (Haitian 2008). BRCA1 Tyr1666Cys was not observed in approximately 6,500 individuals of European and African American ancestry in the NHLBI Exome Sequencing Project, suggesting it is not a common benign variant in these populations. Since Tyrosine and Cysteine differ in polarity, charge, size or other properties, this is considered a non-conservative amino acid substitution. BRCA1 Tyr1666Cys occurs at a position that is not conserved and is located within the DNA binding domain as well as a region known to interact with multiple other proteins (Narod 2004, Paul 2014). In silico analyses are inconsistent regarding the effect this variant may have on protein structure and function. Based on currently available evidence, it is unclear whether BRCA1 Tyr1666Cys is a pathogenic or benign variant. We consider it to be a variant of uncertain significance.

Brotman Baty Institute, University of Washington
No classification provided (evidence only). Condition: Breast-ovarian cancer, familial 1. Review status: no classification provided. Collection method: in vitro. Allele origin: not applicable. Functional consequence: functionally_normal. Not counted in ClinVar's aggregate classification.
ClinVar note: "not provided" was previously submitted as the classification for the variant. However, the classification appeared to be based only on an observation of functional data so it was converted to no classification on 2025-07-30.

Literature cited by the submitters: PubMed 18835712 (cited by 3 submitters); PubMed 28324225 (cited by 4 submitters); PubMed 30209399 (cited by 4 submitters); PubMed 34793697 (cited by Labcorp Genetics (formerly Invitae), Labcorp and Lupski Lab, Baylor-Hopkins CMG, Baylor College of Medicine); PubMed 31853058 (cited by Color Diagnostics, LLC DBA Color Health); PubMed 39142283 (cited by Lupski Lab, Baylor-Hopkins CMG, Baylor College of Medicine); DOI 10.1101/2024.04.11.24305690 (cited by Lupski Lab, Baylor-Hopkins CMG, Baylor College of Medicine); PubMed 30702160 (cited by Quest Diagnostics Nichols Institute San Juan Capistrano); PubMed 31825140 (cited by Quest Diagnostics Nichols Institute San Juan Capistrano).

NM_007294.4(BRCA1):c.4997A>G (p.Tyr1666Cys)

Gene: BRCA1 (BRCA1 DNA repair associated; minus strand). Cytogenetic location: 17q21.31.
Variant type: single nucleotide variant.
Coding change: c.4997A>G on transcript NM_007294.4 (MANE Select); coding-DNA position 4997, A replaced by G.
Protein change: p.Tyr1666Cys; replaces tyrosine 1666 with cysteine.
Molecular consequence: missense variant. On other transcripts: non-coding transcript variant (1).
Genome position (GRCh38, 1-based): chr17:43,067,685, T>C on the plus strand (A>G on the coding strand, the complement: BRCA1 is on the minus strand). VCF-style: chr17-43067685-T-C. GRCh37 (hg19) VCF-style: chr17-41219702-T-C.
Other names: c.4664A>G, p.Tyr1555Cys (NM_001407948.1, NM_001407949.1, NM_001407946.1 and 1 more transcripts); c.4661A>G, p.Tyr1554Cys (NM_001407950.1, NM_001407951.1, NM_001407952.1 and 3 more transcripts); c.1559A>G, p.Tyr520Cys (NM_001408446.1, NM_001408447.1, NM_001408448.1 and 2 more transcripts); c.1553A>G, p.Tyr518Cys (NM_001408451.1); c.1547A>G, p.Tyr516Cys (NM_001408452.1, NM_001408453.1, NM_001408454.1 and 3 more transcripts); c.4535A>G, p.Tyr1512Cys (NM_001407964.1); c.4490A>G, p.Tyr1497Cys (NM_001407965.1); c.4109A>G, p.Tyr1370Cys (NM_001407966.1); and 70 more; short protein forms Y1666C, Y562C, Y1687C, Y1619C, Y1370C, Y1553C, Y1576C, Y1647C.
Identifiers: ClinVar variation 55352 (VCV000055352.23), dbSNP rs397509216, ClinGen allele CA003145.